The following is an entry in ClinVar:

ClinVar aggregate classification (germline): Likely pathogenic (1 of 4 stars; one submission).

gnomAD v4.1: 1 of 1,614,172 alleles (0.000062%); highest among the groups gnomAD compares: Admixed American, 0.0017%; no homozygotes.

Submission:

Ambry Genetics
Classification: Likely pathogenic. Last evaluated: 2025-11-25. Review status: criteria provided, single submitter. Criteria: Ambry Variant Classification Scheme 2023. Collection method: clinical testing. Allele origin: germline.
Comment: The c.1103T>C (p.M368T) alteration is located in coding exon 11 of the PSMC5 gene. This alteration results from a T to C substitution at nucleotide position 1103, causing the methionine (M) at amino acid position 368 to be replaced by a threonine (T). Based on data from gnomAD, the C allele has an overall frequency of <0.001% (1/251470) total alleles studied. The highest observed frequency was 0.003% (1/34580) of Latino alleles. This amino acid position is highly conserved in available vertebrate species. This missense alteration is located in a region that has a low rate of benign missense variation (Lek, 2016; Firth, 2009). This alteration is predicted to be deleterious by in silico analysis. Based on the available evidence, this alteration is classified as likely pathogenic.

NM_002805.6(PSMC5):c.1103T>C (p.Met368Thr)

Gene: PSMC5 (proteasome 26S subunit, ATPase 5; plus strand). Cytogenetic location: 17q23.3.
Variant type: single nucleotide variant.
Coding change: c.1103T>C on transcript NM_002805.6 (MANE Select); coding-DNA position 1103, T replaced by C.
Protein change: p.Met368Thr; replaces methionine 368 with threonine.
Molecular consequence: missense variant.
Genome position (GRCh38, 1-based): chr17:63,831,746, T>C. VCF-style: chr17-63831746-T-C. GRCh37 (hg19) VCF-style: chr17-61909106-T-C.
Other names: c.1079T>C, p.Met360Thr (NM_001199163.2); short protein forms M368T, M360T.
Identifiers: ClinVar variation 4573301 (VCV004573301.1).